The following is an entry in ClinVar:

ClinVar aggregate classification (germline): Uncertain significance (1 of 4 stars; one submission).

Conditions:
Developmental and epileptic encephalopathy, 9 (DEE9). Also called: JUBERG-HELLMAN SYNDROME; PCDH19-Related X-Linked Female-Limited Epilepsy with Mental Retardation; Early infantile epileptic encephalopathy 9; EPILEPSY, FEMALE-RESTRICTED, WITH MENTAL RETARDATION. Identifiers: Orphanet 101039, Orphanet 2076, MedGen C1848137, MONDO:0010246, OMIM 300088. Disease mechanism: loss of function.

Submission:

OLLIN Analises Genomicas, OLLIN
Classification: Uncertain significance for Developmental and epileptic encephalopathy, 9. Last evaluated: 2025-05-20. Review status: criteria provided, single submitter. Criteria: ACMG Guidelines 2015 PMID 25741868. Collection method: clinical testing. Allele origin: germline. Affected: yes. Observed: 1 variant allele.
Comment: The missense variant (chrX:100407952G>C), located in exon 1 (of 6), is not reported in the gnomAD v4.1 non-UKB or ClinVar databases, nor was it found in the scientific literature. This gene shows low tolerance to missense variantion. This variant is located in a known mutational hotspot, and in silico analysis is inconclusive regarding its impact. Based on currently available evidence, this variant has been classified as of uncertain significance (VUS) (PM1, PM2_P, PP2).

NM_001184880.2(PCDH19):c.646C>G (p.Pro216Ala)

Gene: PCDH19 (protocadherin 19; minus strand). Cytogenetic location: Xq22.1.
Variant type: single nucleotide variant.
Coding change: c.646C>G on transcript NM_001184880.2 (MANE Select); coding-DNA position 646, C replaced by G.
Protein change: p.Pro216Ala; replaces proline 216 with alanine.
Molecular consequence: missense variant.
Genome position (GRCh38, 1-based): chrX:100,407,952, G>C on the plus strand (C>G on the coding strand, the complement: PCDH19 is on the minus strand). VCF-style: chrX-100407952-G-C. GRCh37 (hg19) VCF-style: chrX-99662950-G-C.
Other names: c.646C>G, p.Pro216Ala (NM_001105243.2, NM_020766.3); short protein forms P216A.
Identifiers: ClinVar variation 4814150 (VCV004814150.1).
Genomic context (GRCh38, chrX:100,407,952, plus strand): 5'-GGTTGTTGTCATTGGAGTCGGTCACCTTGATACTAAGGCCAACGGTGCCCAGGCGCGGCG[G>C]GTCGCCACCGTCTAGCGCAGTGATTCGGAAGCTGTAGTGCGACTGCGTCTCGCGGTCCAG-3'
Protein context (NP_001171809.1, residues 206-226): FRITALDGGD[Pro216Ala]PRLGTVGLSI